The following is an entry in ClinVar:

NM_031263.4(HNRNPK):c.698C>T (p.Thr233Ile)

Genes: HNRNPK (heterogeneous nuclear ribonucleoprotein K; minus strand), HNRNPK-AS1 (HNRNPK antisense RNA 1; plus strand). Cytogenetic location: 9q21.32.
Variant type: single nucleotide variant.
Coding change: c.698C>T on transcript NM_031263.4 (MANE Select); coding-DNA position 698, C replaced by T.
Protein change: p.Thr233Ile; replaces threonine 233 with isoleucine.
Molecular consequence: missense variant. On other transcripts: non-coding transcript variant (1).
Genome position (GRCh38, 1-based): chr9:83,972,137, G>A on the plus strand (C>T on the coding strand, the complement: HNRNPK is on the minus strand). VCF-style: chr9-83972137-G-A. GRCh37 (hg19) VCF-style: chr9-86587052-G-A.
Other names: c.626C>T, p.Thr209Ile (NM_001318186.2, NM_001318187.2); c.698C>T, p.Thr233Ile (NM_001318188.2, NM_002140.5, NM_031262.4); short protein forms T209I, T233I.
Identifiers: ClinVar variation 4279836 (VCV004279836.1).

ClinVar aggregate classification (germline): Uncertain significance (1 of 4 stars; one submission).

Conditions:
Au-Kline syndrome. Also called: Neurodevelopmental disorder-craniofacial dysmorphism-cardiac defect-hip dysplasia syndrome due to a point mutation; Okamoto syndrome. Identifiers: Orphanet 2729, Orphanet 453499, Orphanet 453504, MedGen C4225274, MONDO:0014700, OMIM 616580.

Submission:

Clinical Genomics Laboratory, Washington University in St. Louis
Classification: Uncertain significance for Au-Kline syndrome. Last evaluated: 2025-06-24. Review status: criteria provided, single submitter. Criteria: ACMG Guidelines, 2015. Collection method: clinical testing. Allele origin: germline.
Comment: The HNRNPK c.698C>T ( p.Thr233Ile) variant, to our knowledge, has not been reported in the medical literature. This variant is absent from the general population (gnomAD v.2.1.1), indicating it is not a common variant. Computational predictors suggest that the variant does not impact HNRNPK function. Due to limited information, and based on ACMG/AMP guidelines for variant interpretation (Richards S et al., PMID: 25741868), the clinical significance of this variant is uncertain at this time.